The following is an entry in ClinVar:

Conditions:
Breast-ovarian cancer, familial, susceptibility to, 1 (BROVCA1). Also called: BRCA1 Hereditary Breast and Ovarian Cancer; OVARIAN CANCER, SUSCEPTIBILITY TO. Identifiers: Orphanet 145, MedGen C2676676, MONDO:0011450, OMIM 604370. Disease mechanism: loss of function.

Submission:

Brotman Baty Institute, University of Washington
No classification provided (evidence only). Condition: Breast-ovarian cancer, familial 1. Review status: no classification provided. Collection method: in vitro. Allele origin: not applicable. Functional consequence: function_uncertain_variant.
ClinVar note: "not provided" was previously submitted as the classification for the variant. However, the classification appeared to be based only on an observation of functional data so it was converted to no classification on 2025-07-30.

NM_007294.4(BRCA1):c.301+6T>A

Gene: BRCA1 (BRCA1 DNA repair associated; minus strand). Cytogenetic location: 17q21.31.
Variant type: single nucleotide variant.
Coding change: c.301+6T>A on transcript NM_007294.4 (MANE Select); 6 bases into the intron after coding-DNA position 301, T replaced by A.
Molecular consequence: intron variant.
Genome position (GRCh38, 1-based): chr17:43,104,862, A>T on the plus strand (T>A on the coding strand, the complement: BRCA1 is on the minus strand). VCF-style: chr17-43104862-A-T. GRCh37 (hg19) VCF-style: chr17-41256879-A-T.
Other names: c.160+6T>A (NM_001408458.1, NM_001407931.1, NM_001407747.1 and 99 more transcripts); c.-218-10002T>A (NM_001407967.1, NM_001407966.1); c.-81+6T>A (NM_001407959.1, NM_001407962.1, NM_001408512.1 and 4 more transcripts); c.91+6T>A (NM_001407885.1, NM_001407886.1, NM_001407898.1 and 58 more transcripts); c.301+6T>A (NM_001407686.1, NM_001408397.1, NM_001407632.1 and 164 more transcripts); c.169+6T>A (NM_001408451.1); c.223+6T>A (NM_001408475.1, NM_001407875.1, NM_001407659.1 and 21 more transcripts); c.292+15T>A (NM_001408408.1, NM_001407647.1, NM_001407646.1).
Identifiers: ClinVar variation 865649 (VCV000865649.3), dbSNP rs753859240, ClinGen allele CA916080808.